The following is an entry in ClinVar:

NM_004530.6(MMP2):c.1545G>T (p.Glu515Asp)

Gene: MMP2 (matrix metallopeptidase 2; plus strand). Cytogenetic location: 16q12.2.
Variant type: single nucleotide variant.
Coding change: c.1545G>T on transcript NM_004530.6 (MANE Select); coding-DNA position 1545, G replaced by T.
Protein change: p.Glu515Asp; replaces glutamic acid 515 with aspartic acid.
Molecular consequence: missense variant.
Genome position (GRCh38, 1-based): chr16:55,496,998, G>T. VCF-style: chr16-55496998-G-T. GRCh37 (hg19) VCF-style: chr16-55530910-G-T.
Other names: c.1395G>T, p.Glu465Asp (NM_001127891.3); c.1317G>T, p.Glu439Asp (NM_001302508.1, NM_001302509.2, NM_001302510.2); c.1545G>T (NM_004530.4); short protein forms E439D, E465D, E515D.
Identifiers: ClinVar variation 1514971 (VCV001514971.7), dbSNP rs966697982, ClinGen allele CA281400750.

ClinVar aggregate classification (germline): Uncertain significance. Review status: criteria provided, multiple submitters, no conflicts (2 of 4 stars). 2 submissions from 2 submitters: Uncertain significance (2). Last evaluated 2025-05-21.

Conditions:
Inborn genetic diseases. Identifiers: MedGen C0950123, MeSH D030342.

Allele frequency attached by ClinVar (database versions not stated): gnomAD 0.00001.

Submissions (2):

Ambry Genetics
Classification: Uncertain significance for Inborn genetic diseases. Last evaluated: 2025-05-21. Review status: criteria provided, single submitter. Criteria: Ambry Variant Classification Scheme 2023. Collection method: clinical testing. Allele origin: germline.

Labcorp Genetics (formerly Invitae), Labcorp
Classification: Uncertain significance. Last evaluated: 2024-10-08. Review status: criteria provided, single submitter. Criteria: Invitae Variant Classification Sherloc (09022015). Collection method: clinical testing. Allele origin: germline.
Comment: This sequence change replaces glutamic acid, which is acidic and polar, with aspartic acid, which is acidic and polar, at codon 515 of the MMP2 protein (p.Glu515Asp). This variant is not present in population databases (gnomAD no frequency). This variant has not been reported in the literature in individuals affected with MMP2-related conditions. ClinVar contains an entry for this variant (Variation ID: 1514971). Invitae Evidence Modeling of protein sequence and biophysical properties (such as structural, functional, and spatial information, amino acid conservation, physicochemical variation, residue mobility, and thermodynamic stability) indicates that this missense variant is not expected to disrupt MMP2 protein function with a negative predictive value of 80%. In summary, the available evidence is currently insufficient to determine the role of this variant in disease. Therefore, it has been classified as a Variant of Uncertain Significance.